The following is an entry in ClinVar:

ClinVar aggregate classification (germline): Uncertain significance (1 of 4 stars; one submission).

Conditions:
Hereditary cancer-predisposing syndrome. Also called: Neoplastic Syndromes, Hereditary; Tumor predisposition; Hereditary Cancer Syndrome; Hereditary neoplastic syndrome. Identifiers: Orphanet 140162, MedGen C0027672, MeSH D009386, MONDO:0015356.

Submission:

Ambry Genetics
Classification: Uncertain significance for Hereditary cancer-predisposing syndrome. Last evaluated: 2024-08-21. Review status: criteria provided, single submitter. Criteria: Ambry Variant Classification Scheme 2023. Collection method: clinical testing. Allele origin: germline.
Comment: The p.R405P variant (also known as c.1214G>C), located in coding exon 9 of the APC gene, results from a G to C substitution at nucleotide position 1214. The arginine at codon 405 is replaced by proline, an amino acid with dissimilar properties. This amino acid position is conserved. In addition, in silico predictors for this gene do not accurately predict pathogenicity. Based on the available evidence, the clinical significance of this variant remains unclear.

NM_000038.6(APC):c.1214G>C (p.Arg405Pro)

Gene: APC (APC regulator of Wnt signaling pathway; plus strand). Cytogenetic location: 5q22.2.
Variant type: single nucleotide variant.
Coding change: c.1214G>C on transcript NM_000038.6 (MANE Select); coding-DNA position 1214, G replaced by C.
Protein change: p.Arg405Pro; replaces arginine 405 with proline.
Molecular consequence: missense variant. On other transcripts: non-coding transcript variant (2), intron variant (15).
Genome position (GRCh38, 1-based): chr5:112,819,246, G>C. VCF-style: chr5-112819246-G-C. GRCh37 (hg19) VCF-style: chr5-112154943-G-C.
Other names: c.1214G>C, p.Arg405Pro (NM_001127510.3, NM_001354895.2, NM_001354896.2 and 4 more transcripts); c.1160G>C, p.Arg387Pro (NM_001127511.3); c.1244G>C, p.Arg415Pro (NM_001354897.2, NM_001407446.1); c.1139G>C, p.Arg380Pro (NM_001354898.2, NM_001407451.1); c.1130G>C, p.Arg377Pro (NM_001354899.2, NM_001407452.1); c.1037G>C, p.Arg346Pro (NM_001354900.2, NM_001354901.2, NM_001407453.1); c.365G>C, p.Arg122Pro (NM_001354906.2, NM_001407470.1); c.85-23G>C (NM_001407472.1, NM_001407471.1); and 5 more; short protein forms R122P, R346P, R380P, R387P, R415P, R377P, R405P.
Identifiers: ClinVar variation 3410502 (VCV003410502.1).
Genomic context (GRCh38, chr5:112,819,246, plus strand): 5'-CAGCACTCCACAACATCATTCACTCACAGCCTGATGACAAGAGAGGCAGGCGTGAAATCC[G>C]AGTCCTTCATCTTTTGGAACAGATACGCGCTTACTGTGAAACCTGTTGGGAGTGGCAGGA-3'
Protein context (NP_000029.2, residues 395-415): PDDKRGRREI[Arg405Pro]VLHLLEQIRA